The following is an entry in ClinVar:

ClinVar aggregate classification (germline): Uncertain significance. Review status: criteria provided, multiple submitters, no conflicts (2 of 4 stars). 3 submissions from 3 submitters: Uncertain significance (3). Last evaluated 2025-10-30.

Conditions:
Hereditary cancer-predisposing syndrome. Also called: Neoplastic Syndromes, Hereditary; Hereditary Cancer Syndrome; Hereditary neoplastic syndrome; Tumor predisposition. Identifiers: Orphanet 140162, MedGen C0027672, MeSH D009386, MONDO:0015356.
Tuberous sclerosis 2 (TSC2). Identifiers: Orphanet 805, MedGen C1860707, MONDO:0013199, OMIM 613254.

gnomAD v4.1: 2 of 1,609,422 alleles (0.00012%); highest among the groups gnomAD compares: Non-Finnish European, 0.00017%; no homozygotes.

Submissions (3):

Ambry Genetics
Classification: Uncertain significance for Hereditary cancer-predisposing syndrome. Last evaluated: 2025-10-30. Review status: criteria provided, single submitter. Criteria: Ambry Variant Classification Scheme 2023. Collection method: clinical testing. Allele origin: germline.
Comment: The p.W1430R variant (also known as c.4288T>C), located in coding exon 33 of the TSC2 gene, results from a T to C substitution at nucleotide position 4288. The tryptophan at codon 1430 is replaced by arginine, an amino acid with dissimilar properties. This amino acid position is well conserved in available vertebrate species. In addition, the in silico prediction for this alteration is inconclusive. Since supporting evidence is limited at this time, the clinical significance of this alteration remains unclear.

Labcorp Genetics (formerly Invitae), Labcorp
Classification: Uncertain significance for Tuberous sclerosis 2. Last evaluated: 2025-10-01. Review status: criteria provided, single submitter. Criteria: Invitae Variant Classification Sherloc (09022015). Collection method: clinical testing. Allele origin: germline.
Comment: This sequence change replaces tryptophan, which is neutral and slightly polar, with arginine, which is basic and polar, at codon 1430 of the TSC2 protein (p.Trp1430Arg). This variant is not present in population databases (gnomAD no frequency). This variant has not been reported in the literature in individuals affected with TSC2-related conditions. ClinVar contains an entry for this variant (Variation ID: 824756). Invitae Evidence Modeling of protein sequence and biophysical properties (such as structural, functional, and spatial information, amino acid conservation, physicochemical variation, residue mobility, and thermodynamic stability) indicates that this missense variant is not expected to disrupt TSC2 protein function with a negative predictive value of 95%. In summary, the available evidence is currently insufficient to determine the role of this variant in disease. Therefore, it has been classified as a Variant of Uncertain Significance.

Genome-Nilou Lab
Classification: Uncertain significance for Tuberous sclerosis 2. Last evaluated: 2021-11-07. Review status: criteria provided, single submitter. Criteria: ACMG Guidelines, 2015. Collection method: clinical testing. Allele origin: germline. Affected: no.

NM_000548.5(TSC2):c.4288T>C (p.Trp1430Arg)

Gene: TSC2 (TSC complex subunit 2; plus strand). Cytogenetic location: 16p13.3.
Variant type: single nucleotide variant.
Coding change: c.4288T>C on transcript NM_000548.5 (MANE Select); coding-DNA position 4288, T replaced by C.
Protein change: p.Trp1430Arg; replaces tryptophan 1430 with arginine.
Molecular consequence: missense variant.
Genome position (GRCh38, 1-based): chr16:2,084,510, T>C. VCF-style: chr16-2084510-T-C. GRCh37 (hg19) VCF-style: chr16-2134511-T-C.
Other names: c.4087T>C, p.Trp1363Arg (NM_001077183.3); c.4219T>C, p.Trp1407Arg (NM_001114382.3); c.3979T>C, p.Trp1327Arg (NM_001318827.2); c.3943T>C, p.Trp1315Arg (NM_001318829.2); c.3556T>C, p.Trp1186Arg (NM_001318831.2); c.4120T>C, p.Trp1374Arg (NM_001318832.2); c.4090T>C, p.Trp1364Arg (NM_001363528.2); c.4156T>C, p.Trp1386Arg (NM_001370404.1); and 1 more; short protein forms W1186R, W1315R, W1387R, W1430R, W1327R, W1363R, W1374R, W1364R.
Identifiers: ClinVar variation 824756 (VCV000824756.17), dbSNP rs1596417336, ClinGen allele CA394300970.